The following is an entry in ClinVar:

NM_020937.4(FANCM):c.4010T>C (p.Met1337Thr)

Gene: FANCM (FA complementation group M; plus strand). Cytogenetic location: 14q21.2.
Variant type: single nucleotide variant.
Coding change: c.4010T>C on transcript NM_020937.4 (MANE Select); coding-DNA position 4010, T replaced by C.
Protein change: p.Met1337Thr; replaces methionine 1337 with threonine.
Molecular consequence: missense variant.
Genome position (GRCh38, 1-based): chr14:45,176,764, T>C. VCF-style: chr14-45176764-T-C. GRCh37 (hg19) VCF-style: chr14-45645967-T-C.
Other names: c.3932T>C, p.Met1311Thr (NM_001308133.2); short protein forms M1311T, M1337T.
Identifiers: ClinVar variation 3360298 (VCV003360298.1).

ClinVar aggregate classification (germline): Uncertain significance (1 of 4 stars; one submission).

Submission:

GeneDx
Classification: Uncertain significance. Last evaluated: 2023-06-21. Review status: criteria provided, single submitter. Criteria: GeneDx Variant Classification Process June 2021. Collection method: clinical testing. Allele origin: germline. Affected: yes.
Comment: Not observed at significant frequency in large population cohorts (gnomAD); In silico analysis supports that this missense variant does not alter protein structure/function; Has not been previously published as pathogenic or benign to our knowledge